The following is an entry in ClinVar:

NM_177438.3(DICER1):c.3797A>C (p.Asp1266Ala)

Gene: DICER1 (dicer 1, ribonuclease III; minus strand). Cytogenetic location: 14q32.13.
Variant type: single nucleotide variant.
Coding change: c.3797A>C on transcript NM_177438.3 (MANE Select); coding-DNA position 3797, A replaced by C.
Protein change: p.Asp1266Ala; replaces aspartic acid 1266 with alanine.
Molecular consequence: missense variant.
Genome position (GRCh38, 1-based): chr14:95,103,599, T>G on the plus strand (A>C on the coding strand, the complement: DICER1 is on the minus strand). VCF-style: chr14-95103599-T-G. GRCh37 (hg19) VCF-style: chr14-95569936-T-G.
Other names: c.3797A>C, p.Asp1266Ala (NM_001195573.1, NM_001271282.3, NM_001291628.2 and 1 more transcripts); short protein forms D1266A.
Identifiers: ClinVar variation 572093 (VCV000572093.11), dbSNP rs368610812, ClinGen allele CA7330987.

ClinVar aggregate classification (germline): Uncertain significance. Review status: criteria provided, multiple submitters, no conflicts (2 of 4 stars). 2 submissions from 2 submitters: Uncertain significance (2). Last evaluated 2025-05-16.

Conditions:
Hereditary cancer-predisposing syndrome. Also called: Hereditary neoplastic syndrome; Neoplastic Syndromes, Hereditary; Hereditary Cancer Syndrome; Tumor predisposition. Identifiers: Orphanet 140162, MedGen C0027672, MeSH D009386, MONDO:0015356.
DICER1-related tumor predisposition. Also called: DICER1 syndrome; DICER1-related pleuropulmonary blastoma cancer predisposition syndrome. Identifiers: Orphanet 284343, MedGen C3839822, MONDO:0100216.

Allele frequency attached by ClinVar (database versions not stated): gnomAD exomes below 0.00001; ExAC 0.00001; ESP Exome Variant Server 0.00008.

Submissions (2):

Ambry Genetics
Classification: Uncertain significance for Hereditary cancer-predisposing syndrome. Last evaluated: 2025-05-16. Review status: criteria provided, single submitter. Criteria: Ambry Variant Classification Scheme 2023. Collection method: clinical testing. Allele origin: germline.
Comment: The p.D1266A variant (also known as c.3797A>C), located in coding exon 20 of the DICER1 gene, results from an A to C substitution at nucleotide position 3797. The aspartic acid at codon 1266 is replaced by alanine, an amino acid with dissimilar properties. This amino acid position is poorly conserved in available vertebrate species. In addition, this alteration is predicted to be tolerated by in silico analysis. Since supporting evidence is limited at this time, the clinical significance of this alteration remains unclear.

Labcorp Genetics (formerly Invitae), Labcorp
Classification: Uncertain significance for DICER1-related tumor predisposition. Last evaluated: 2024-10-07. Review status: criteria provided, single submitter. Criteria: Invitae Variant Classification Sherloc (09022015). Collection method: clinical testing. Allele origin: germline.
Comment: This sequence change replaces aspartic acid, which is acidic and polar, with alanine, which is neutral and non-polar, at codon 1266 of the DICER1 protein (p.Asp1266Ala). This variant is present in population databases (rs368610812, gnomAD 0.0009%). This variant has not been reported in the literature in individuals affected with DICER1-related conditions. ClinVar contains an entry for this variant (Variation ID: 572093). Invitae Evidence Modeling of protein sequence and biophysical properties (such as structural, functional, and spatial information, amino acid conservation, physicochemical variation, residue mobility, and thermodynamic stability) indicates that this missense variant is not expected to disrupt DICER1 protein function with a negative predictive value of 95%. In summary, the available evidence is currently insufficient to determine the role of this variant in disease. Therefore, it has been classified as a Variant of Uncertain Significance.